The following is an entry in ClinVar:

ClinVar aggregate classification (germline): Likely pathogenic (1 of 4 stars; one submission).

Conditions:
Familial dysautonomia. Also called: HSAN III; FD. Identifiers: Orphanet 1764, MedGen C0013364, MONDO:0009131, OMIM 223900. Disease mechanism: loss of function.

Submission:

Natera, Inc.
Classification: Likely pathogenic for Familial dysautonomia. Last evaluated: 2024-07-18. Review status: criteria provided, single submitter. Criteria: Natera Variant Classification Schema (03/2026). Collection method: clinical testing. Allele origin: germline.
Comment: The c.2003delC variant in ELP1 is a frameshift variant predicted to shift the reading frame beginning at codon 668 and leads to a stop codon 10 codons downstream. This variant is expected to result in nonsense mediated decay, truncation, or a dysfunctional protein product. This variant is rare in the general population with a frequency below the threshold expected for the associated phenotype(s). Given the available evidence, this variant is classified as Likely Pathogenic.

NM_003640.5(ELP1):c.2003del (p.Ala668fs)

Gene: ELP1 (elongator acetyltransferase complex subunit 1; minus strand). Cytogenetic location: 9q31.3.
Variant type: Deletion.
Coding change: c.2003del on transcript NM_003640.5 (MANE Select); coding-DNA position 2003, one base deleted (C; older notation c.2003delC).
Protein change: p.Ala668fs; shifts the reading frame from alanine 668.
Molecular consequence: frameshift variant.
Genome position (GRCh38, 1-based): chr9:108,901,436, G deleted on the plus strand (C on the coding strand, the reverse complement: ELP1 is on the minus strand). VCF-style (leftmost placement, unchanged base first): chr9-108901435-AG-A. GRCh37 (hg19) VCF-style: chr9-111663715-AG-A.
Other names: c.1661del, p.Ala554fs (NM_001318360.2); c.956del, p.Ala319fs (NM_001330749.2); short protein forms A319fs, A554fs, A668fs.
Identifiers: ClinVar variation 4815184 (VCV004815184.1).